The following is an entry in ClinVar:

NM_024411.5(PDYN):c.*138A>G

Genes: PDYN-AS1 (PDYN antisense RNA 1; plus strand), PDYN (prodynorphin; minus strand). Cytogenetic location: 20p13.
Variant type: single nucleotide variant.
Coding change: c.*138A>G on transcript NM_024411.5 (MANE Select); 138 bases downstream of the stop codon, A replaced by G.
Molecular consequence: 3 prime UTR variant.
Genome position (GRCh38, 1-based): chr20:1,980,185, T>C on the plus strand (A>G on the coding strand, the complement: PDYN is on the minus strand). VCF-style: chr20-1980185-T-C. GRCh37 (hg19) VCF-style: chr20-1960831-T-C.
Other names: c.*138A>G (NM_001190892.1, NM_001190898.3, NM_001190899.2 and 1 more transcripts).
Identifiers: ClinVar variation 337832 (VCV000337832.7), dbSNP rs111525766, ClinGen allele CA10652982.

ClinVar aggregate classification (germline): Benign. Review status: criteria provided, multiple submitters, no conflicts (2 of 4 stars). 3 submissions from 3 submitters: Benign (3). Last evaluated 2021-05-25.

Conditions:
Spinocerebellar ataxia type 23 (SCA23). Identifiers: Orphanet 101108, MedGen C1853250, MONDO:0012449, OMIM 610245.

Allele frequency attached by ClinVar (database versions not stated): 1000 Genomes Project 0.01737; gnomAD 0.01787 and 0.01924; 1000 Genomes Project 30x 0.01905; TOPMed 0.02143.
gnomAD v4.1: 4,251 of 891,256 alleles (0.48%); highest among the groups gnomAD compares: African/African-American, 6.2%; 115 homozygotes.

Submissions (3):

GeneDx
Classification: Benign. Last evaluated: 2021-05-25. Review status: criteria provided, single submitter. Criteria: GeneDx Variant Classification Process June 2021. Collection method: clinical testing. Allele origin: germline. Affected: yes.

Illumina Laboratory Services, Illumina
Classification: Benign for Spinocerebellar ataxia type 23. Last evaluated: 2018-01-13. Review status: criteria provided, single submitter. Criteria: ICSL Variant Classification Criteria 13 December 2019. Collection method: clinical testing. Allele origin: germline.
Comment: This variant was observed in the ICSL laboratory as part of a predisposition screen in an ostensibly healthy population. It had not been previously curated by ICSL or reported in the Human Gene Mutation Database (HGMD: prior to June 1st, 2018), and was therefore a candidate for classification through an automated scoring system. Utilizing variant allele frequency, disease prevalence and penetrance estimates, and inheritance mode, an automated score was calculated to assess if this variant is too frequent to cause the disease. Based on the score and internal cut-off values, a variant classified as benign is not then subjected to further curation. The score for this variant resulted in a classification of benign for this disease.

Breakthrough Genomics
Classification: Benign. Review status: criteria provided, single submitter. Criteria: ACMG Guidelines, 2015. Collection method: not provided. Allele origin: germline. Inheritance: Autosomal dominant inheritance. Affected: yes.